The following is an entry in ClinVar:

NM_006180.6(NTRK2):c.2378C>T (p.Thr793Met)

Gene: NTRK2 (neurotrophic receptor tyrosine kinase 2; plus strand). Cytogenetic location: 9q21.33.
Variant type: single nucleotide variant.
Coding change: c.2378C>T on transcript NM_006180.6 (MANE Select); coding-DNA position 2378, C replaced by T.
Protein change: p.Thr793Met; replaces threonine 793 with methionine.
Molecular consequence: missense variant.
Genome position (GRCh38, 1-based): chr9:85,021,298, C>T. VCF-style: chr9-85021298-C-T. GRCh37 (hg19) VCF-style: chr9-87636213-C-T.
Other names: c.2330C>T, p.Thr777Met (NM_001018064.3, NM_001369532.1, NM_001369533.1); c.2294C>T, p.Thr765Met (NM_001369534.1); c.1862C>T, p.Thr621Met (NM_001369535.1); c.1910C>T, p.Thr637Met (NM_001369536.1); short protein forms T621M, T793M, T637M, T777M, T765M.
Identifiers: ClinVar variation 1521753 (VCV001521753.6), dbSNP rs988042143, ClinGen allele CA195831013.

ClinVar aggregate classification (germline): Uncertain significance (1 of 4 stars; one submission).

Allele frequency attached by ClinVar (database versions not stated): gnomAD 0.00001; gnomAD exomes 0.00001.
gnomAD v4.1: 19 of 1,614,020 alleles (0.0012%); highest among the groups gnomAD compares: Non-Finnish European, 0.0015%; no homozygotes.

Submission:

Labcorp Genetics (formerly Invitae), Labcorp
Classification: Uncertain significance. Last evaluated: 2023-04-07. Review status: criteria provided, single submitter. Criteria: Invitae Variant Classification Sherloc (09022015). Collection method: clinical testing. Allele origin: germline.
Comment: This sequence change replaces threonine, which is neutral and polar, with methionine, which is neutral and non-polar, at codon 793 of the NTRK2 protein (p.Thr793Met). This variant is not present in population databases (gnomAD no frequency). This variant has not been reported in the literature in individuals affected with NTRK2-related conditions. ClinVar contains an entry for this variant (Variation ID: 1521753). Advanced modeling of protein sequence and biophysical properties (such as structural, functional, and spatial information, amino acid conservation, physicochemical variation, residue mobility, and thermodynamic stability) performed at Invitae indicates that this missense variant is not expected to disrupt NTRK2 protein function. In summary, the available evidence is currently insufficient to determine the role of this variant in disease. Therefore, it has been classified as a Variant of Uncertain Significance.